The following is an entry in ClinVar:

ClinVar aggregate classification (germline): Uncertain significance (1 of 4 stars; one submission).

Allele frequency attached by ClinVar (database versions not stated): gnomAD exomes below 0.00001; ExAC 0.00001.
gnomAD v4.1: 5 of 1,614,218 alleles (0.00031%); highest among the groups gnomAD compares: South Asian, 0.0044%; no homozygotes.

Submission:

Labcorp Genetics (formerly Invitae), Labcorp
Classification: Uncertain significance. Last evaluated: 2022-08-06. Review status: criteria provided, single submitter. Criteria: Invitae Variant Classification Sherloc (09022015). Collection method: clinical testing. Allele origin: germline.
Comment: In summary, the available evidence is currently insufficient to determine the role of this variant in disease. Therefore, it has been classified as a Variant of Uncertain Significance. Algorithms developed to predict the effect of missense changes on protein structure and function (SIFT, PolyPhen-2, Align-GVGD) all suggest that this variant is likely to be disruptive. This variant has not been reported in the literature in individuals affected with ABL1-related conditions. This variant is present in population databases (rs781265849, gnomAD 0.007%). This sequence change replaces alanine, which is neutral and non-polar, with threonine, which is neutral and polar, at codon 307 of the ABL1 protein (p.Ala307Thr).

NM_005157.6(ABL1):c.862G>A (p.Ala288Thr)

Gene: ABL1 (ABL proto-oncogene 1, non-receptor tyrosine kinase; plus strand). Cytogenetic location: 9q34.12.
Variant type: single nucleotide variant.
Coding change: c.862G>A on transcript NM_005157.6 (MANE Select); coding-DNA position 862, G replaced by A.
Protein change: p.Ala288Thr; replaces alanine 288 with threonine.
Molecular consequence: missense variant.
Genome position (GRCh38, 1-based): chr9:130,872,168, G>A. VCF-style: chr9-130872168-G-A. GRCh37 (hg19) VCF-style: chr9-133747555-G-A.
Other names: c.919G>A, p.Ala307Thr (NM_007313.3); short protein forms A288T, A307T.
Identifiers: ClinVar variation 2009837 (VCV002009837.4), dbSNP rs781265849, ClinGen allele CA5285310.